The following is an entry in ClinVar:

NM_000540.3(RYR1):c.4506C>T (p.Pro1502=)

Gene: RYR1 (ryanodine receptor 1; plus strand). Cytogenetic location: 19q13.2.
Variant type: single nucleotide variant.
Coding change: c.4506C>T on transcript NM_000540.3 (MANE Select); coding-DNA position 4506, C replaced by T.
Protein change: p.Pro1502=; no amino-acid change (proline 1502 retained).
Molecular consequence: synonymous variant.
Genome position (GRCh38, 1-based): chr19:38,478,486, C>T. VCF-style: chr19-38478486-C-T. GRCh37 (hg19) VCF-style: chr19-38969126-C-T.
Other names: c.4506C>T, p.Pro1502= (NM_001042723.2).
Identifiers: ClinVar variation 2909094 (VCV002909094.10), dbSNP rs1029335541, ClinGen allele CA308085212.

ClinVar aggregate classification (germline): Likely benign. Review status: criteria provided, multiple submitters, no conflicts (2 of 4 stars). 2 submissions from 2 submitters: Likely benign (2). Last evaluated 2025-09-01.

Conditions:
RYR1-related disorder. Also called: RYR1-related condition; RYR1-related disorders. Identifiers: MedGen CN239331.

Allele frequency attached by ClinVar (database versions not stated): gnomAD 0.00001; gnomAD exomes 0.00001; TOPMed 0.00003.
gnomAD v4.1: 10 of 1,613,928 alleles (0.00062%); highest among the groups gnomAD compares: African/African-American, 0.004%; no homozygotes.

Submissions (2):

CeGaT Center for Human Genetics Tuebingen
Classification: Likely benign. Last evaluated: 2025-09-01. Review status: criteria provided, single submitter. Criteria: CeGaT Center For Human Genetics Tuebingen Variant Classification Criteria Version 2. Collection method: clinical testing. Allele origin: germline. Affected: yes. Observed: 1 variant allele.
Comment: RYR1: BP4, BP7

Labcorp Genetics (formerly Invitae), Labcorp
Classification: Likely benign for RYR1-related disorder. Last evaluated: 2024-04-10. Review status: criteria provided, single submitter. Criteria: Invitae Variant Classification Sherloc (09022015). Collection method: clinical testing. Allele origin: germline.